The following is an entry in ClinVar:

ClinVar aggregate classification (germline): Likely benign. Review status: criteria provided, multiple submitters, no conflicts (2 of 4 stars). 2 submissions from 2 submitters: Likely benign (2). Last evaluated 2023-02-14.

Allele frequency attached by ClinVar (database versions not stated): gnomAD exomes 0.00003 and 0.00015; gnomAD 0.00004 and 0.00005; ExAC 0.00012; 1000 Genomes Project 30x 0.00016; 1000 Genomes Project 0.00020; ESP Exome Variant Server 0.00008; TOPMed 0.00008.
gnomAD v4.1: 57 of 1,613,744 alleles (0.0035%); highest among the groups gnomAD compares: East Asian, 0.047%; no homozygotes.

Submissions (2):

Labcorp Genetics (formerly Invitae), Labcorp
Classification: Likely benign. Last evaluated: 2023-02-14. Review status: criteria provided, single submitter. Criteria: Invitae Variant Classification Sherloc (09022015). Collection method: clinical testing. Allele origin: germline.

CeGaT Center for Human Genetics Tuebingen
Classification: Likely benign. Last evaluated: 2022-07-01. Review status: criteria provided, single submitter. Criteria: CeGaT Center For Human Genetics Tuebingen Variant Classification Criteria Version 2. Collection method: clinical testing. Allele origin: germline. Affected: yes. Observed: 1 variant allele.
Comment: TMTC3: BP4, BP7

NM_181783.4(TMTC3):c.2097C>T (p.Ala699=)

Gene: TMTC3 (transmembrane O-mannosyltransferase targeting cadherins 3; plus strand). Cytogenetic location: 12q21.32.
Variant type: single nucleotide variant.
Coding change: c.2097C>T on transcript NM_181783.4 (MANE Select); coding-DNA position 2097, C replaced by T.
Protein change: p.Ala699=; no amino-acid change (alanine 699 retained).
Molecular consequence: synonymous variant. On other transcripts: non-coding transcript variant (1).
Genome position (GRCh38, 1-based): chr12:88,195,001, C>T. VCF-style: chr12-88195001-C-T. GRCh37 (hg19) VCF-style: chr12-88588778-C-T.
Other names: c.1917C>T, p.Ala639= (NM_001366574.1); c.1878C>T, p.Ala626= (NM_001366579.1); c.1830C>T, p.Ala610= (NM_001366580.1); c.1404C>T, p.Ala468= (NM_001366583.1).
Identifiers: ClinVar variation 1637556 (VCV001637556.32), dbSNP rs201509383, ClinGen allele CA6713427.